The following is an entry in ClinVar:

NM_000327.4(ROM1):c.395C>T (p.Ala132Val)

Gene: ROM1 (retinal outer segment membrane protein 1; plus strand). Cytogenetic location: 11q12.3.
Variant type: single nucleotide variant.
Coding change: c.395C>T on transcript NM_000327.4 (MANE Select); coding-DNA position 395, C replaced by T.
Protein change: p.Ala132Val; replaces alanine 132 with valine.
Molecular consequence: missense variant.
Genome position (GRCh38, 1-based): chr11:62,613,676, C>T. VCF-style: chr11-62613676-C-T. GRCh37 (hg19) VCF-style: chr11-62381148-C-T.
Other names: short protein forms A132V.
Identifiers: ClinVar variation 853460 (VCV000853460.10), dbSNP rs914370307, ClinGen allele CA223034752.

ClinVar aggregate classification (germline): Uncertain significance. Review status: criteria provided, multiple submitters, no conflicts (2 of 4 stars). 2 submissions from 2 submitters: Uncertain significance (2). Last evaluated 2024-09-11.

Allele frequency attached by ClinVar (database versions not stated): gnomAD 0.00001; gnomAD exomes 0.00001; TOPMed 0.00002.

Submissions (2):

Blueprint Genetics
Classification: Uncertain significance. Last evaluated: 2024-09-11. Review status: criteria provided, single submitter. Criteria: ACMG Guidelines, 2015. Collection method: clinical testing. Allele origin: germline.

Labcorp Genetics (formerly Invitae), Labcorp
Classification: Uncertain significance. Last evaluated: 2024-06-12. Review status: criteria provided, single submitter. Criteria: Invitae Variant Classification Sherloc (09022015). Collection method: clinical testing. Allele origin: germline.
Comment: This sequence change replaces alanine, which is neutral and non-polar, with valine, which is neutral and non-polar, at codon 132 of the ROM1 protein (p.Ala132Val). This variant is present in population databases (no rsID available, gnomAD 0.002%). This variant has not been reported in the literature in individuals affected with ROM1-related conditions. ClinVar contains an entry for this variant (Variation ID: 853460). Advanced modeling of protein sequence and biophysical properties (such as structural, functional, and spatial information, amino acid conservation, physicochemical variation, residue mobility, and thermodynamic stability) performed at Invitae indicates that this missense variant is not expected to disrupt ROM1 protein function with a negative predictive value of 80%. In summary, the available evidence is currently insufficient to determine the role of this variant in disease. Therefore, it has been classified as a Variant of Uncertain Significance.